The following is an entry in ClinVar:

NM_000038.6(APC):c.638G>A (p.Arg213Gln)

Gene: APC (APC regulator of Wnt signaling pathway; plus strand). Cytogenetic location: 5q22.2.
Variant type: single nucleotide variant.
Coding change: c.638G>A on transcript NM_000038.6 (MANE Select); coding-DNA position 638, G replaced by A.
Protein change: p.Arg213Gln; replaces arginine 213 with glutamine.
Molecular consequence: missense variant. On other transcripts: 5 prime UTR variant (1).
Genome position (GRCh38, 1-based): chr5:112,780,896, G>A. VCF-style: chr5-112780896-G-A. GRCh37 (hg19) VCF-style: chr5-112116593-G-A.
Other names: c.638G>A, p.Arg213Gln (NM_001127510.3, NM_001354895.2, NM_001354896.2 and 2 more transcripts); c.668G>A, p.Arg223Gln (NM_001127511.3, NM_001354897.2, NM_001354902.2); c.563G>A, p.Arg188Gln (NM_001354898.2, NM_001354904.2); c.461G>A, p.Arg154Gln (NM_001354900.2, NM_001354901.2, NM_001354905.2); c.-398G>A (NM_001354906.2); short protein forms R223Q, R213Q, R188Q, R154Q.
Identifiers: ClinVar variation 470045 (VCV000470045.21), dbSNP rs1235428754, ClinGen allele CA16022735.

ClinVar aggregate classification (germline): Conflicting classifications of pathogenicity. Review status: criteria provided, conflicting classifications (1 of 4 stars). 5 submissions from 5 submitters: Uncertain significance (4); Likely benign (1). Last evaluated 2025-06-12.

Conditions:
Familial adenomatous polyposis 1 (FAP1). Also called: POLYPOSIS, ADENOMATOUS INTESTINAL; FAMILIAL ADENOMATOUS POLYPOSIS 1, ATTENUATED. Identifiers: MedGen C2713442, MONDO:0021056, OMIM 175100. Disease mechanism: loss of function.
Classic or attenuated familial adenomatous polyposis. Identifiers: MedGen CN372698, MONDO:0021057.
Hereditary cancer-predisposing syndrome. Also called: Hereditary neoplastic syndrome; Neoplastic Syndromes, Hereditary; Tumor predisposition; Hereditary Cancer Syndrome. Identifiers: Orphanet 140162, MedGen C0027672, MeSH D009386, MONDO:0015356.

Allele frequency attached by ClinVar (database versions not stated): TOPMed below 0.00001.

Submissions (5):

Color Diagnostics, LLC DBA Color Health
Classification: Uncertain significance for Hereditary cancer-predisposing syndrome. Last evaluated: 2025-06-12. Review status: criteria provided, single submitter. Criteria: ACMG Guidelines, 2015. Collection method: clinical testing. Allele origin: germline.
Comment: This missense variant replaces arginine with glutamine at codon 213 of the APC protein. Computational prediction suggests that this variant may have deleterious impact on protein structure and function. To our knowledge, functional studies have not been reported for this variant. This variant has not been reported in individuals affected with APC-related disorders in the literature. This variant has not been identified in the general population by the Genome Aggregation Database (gnomAD). The available evidence is insufficient to determine the role of this variant in disease conclusively. Therefore, this variant is classified as a Variant of Uncertain Significance.

Labcorp Genetics (formerly Invitae), Labcorp
Classification: Likely benign for Familial adenomatous polyposis 1. Last evaluated: 2024-09-17. Review status: criteria provided, single submitter. Criteria: Invitae Variant Classification Sherloc (09022015). Collection method: clinical testing. Allele origin: germline.

Ambry Genetics
Classification: Uncertain significance for Hereditary cancer-predisposing syndrome. Last evaluated: 2024-05-03. Review status: criteria provided, single submitter. Criteria: Ambry Variant Classification Scheme 2023. Collection method: clinical testing. Allele origin: germline.
Comment: The p.R213Q variant (also known as c.638G>A), located in coding exon 5 of the APC gene, results from a G to A substitution at nucleotide position 638. The arginine at codon 213 is replaced by glutamine, an amino acid with highly similar properties. Missense alterations in APC are not a common cause of disease (Spier I et al. Genet Med. 2024 Feb;26(2):100992). This amino acid position is highly conserved in available vertebrate species. In addition, in silico predictors for this gene do not accurately predict pathogenicity. Based on the available evidence, the clinical significance of this variant remains unclear.

All of Us Research Program, National Institutes of Health
Classification: Uncertain significance for Classic or attenuated familial adenomatous polyposis. Last evaluated: 2023-11-30. Review status: criteria provided, single submitter. Criteria: ACMG Guidelines, 2015. Collection method: clinical testing. Allele origin: germline. Inheritance: Autosomal dominant inheritance. Observed: 2 variant alleles, 2 heterozygotes.
Comment: This missense variant replaces arginine with glutamine at codon 213 of the APC protein. Computational prediction suggests that this variant may have deleterious impact on protein structure and function (internally defined REVEL score threshold >= 0.7, PMID: 27666373). To our knowledge, functional studies have not been reported for this variant. This variant has not been reported in individuals affected with APC-related disorders in the literature. This variant has not been identified in the general population by the Genome Aggregation Database (gnomAD). The available evidence is insufficient to determine the role of this variant in disease conclusively. Therefore, this variant is classified as a Variant of Uncertain Significance.

This study involves interpretation of variants in research participants for the purpose of population health screening. Participant phenotype was not available at the time of variant classification. Additional details can be found in publication PMID: 35346344, PMCID: PMC8962531

Laboratory for Molecular Medicine, Mass General Brigham Personalized Medicine
Classification: Uncertain significance. Last evaluated: 2017-01-25. Review status: criteria provided, single submitter. Criteria: LMM Criteria. Collection method: clinical testing. Allele origin: germline. Observed: 1 variant allele.
Comment: The p.Arg213Gln variant in APC has not been previously reported in individuals w ith APC-associated polyposis or in large population studies. Computational predi ction tools and conservation analysis do not clearly argue for or against an imp act to the protein. In summary, the clinical significance of the p.Arg213Gln var iant is uncertain.